The following is an entry in ClinVar:

NM_000057.4(BLM):c.1044G>T (p.Met348Ile)

Gene: BLM (BLM RecQ like helicase; plus strand). Cytogenetic location: 15q26.1.
Variant type: single nucleotide variant.
Coding change: c.1044G>T on transcript NM_000057.4 (MANE Select); coding-DNA position 1044, G replaced by T.
Protein change: p.Met348Ile; replaces methionine 348 with isoleucine.
Molecular consequence: missense variant. On other transcripts: 5 prime UTR variant (1).
Genome position (GRCh38, 1-based): chr15:90,754,895, G>T. VCF-style: chr15-90754895-G-T. GRCh37 (hg19) VCF-style: chr15-91298125-G-T.
Other names: c.1044G>T (NM_000057.2); c.1044G>T, p.Met348Ile (NM_001287246.2, NM_001287247.2); c.-248G>T (NM_001287248.2); short protein forms M348I.
Identifiers: ClinVar variation 567994 (VCV000567994.11), dbSNP rs184657475, ClinGen allele CA393842168.
Genomic context (GRCh38, chr15:90,754,895, plus strand): 5'-TGACAGAAAAGAGGATGTTCTTAGCACATCAAAAGATCTTTTGTCAAAACCTGAGAAAAT[G>T]AGTATGCAGGAGCTGAATCCAGAAACCAGCACAGACTGTGACGGTACAAGCAATATTTTA-3'
Protein context (NP_000048.1, residues 338-358): SKDLLSKPEK[Met348Ile]SMQELNPETS

ClinVar aggregate classification (germline): Uncertain significance. Review status: criteria provided, multiple submitters, no conflicts (2 of 4 stars). 2 submissions from 2 submitters: Uncertain significance (2). Last evaluated 2025-06-15.

Conditions:
Bloom syndrome (BLM). Also called: Bloom-Torre-Machacek syndrome. Identifiers: Orphanet 125, MedGen C0005859, MONDO:0008876, OMIM 210900.
Hereditary cancer-predisposing syndrome. Also called: Neoplastic Syndromes, Hereditary; Tumor predisposition; Hereditary neoplastic syndrome; Hereditary Cancer Syndrome. Identifiers: Orphanet 140162, MedGen C0027672, MeSH D009386, MONDO:0015356.

Allele frequency attached by ClinVar (database versions not stated): TOPMed 0.00001.

Submissions (2):

Labcorp Genetics (formerly Invitae), Labcorp
Classification: Uncertain significance for Bloom syndrome. Last evaluated: 2025-06-15. Review status: criteria provided, single submitter. Criteria: Invitae Variant Classification Sherloc (09022015). Collection method: clinical testing. Allele origin: germline.
Comment: This sequence change replaces methionine, which is neutral and non-polar, with isoleucine, which is neutral and non-polar, at codon 348 of the BLM protein (p.Met348Ile). This variant is not present in population databases (gnomAD no frequency). This variant has not been reported in the literature in individuals affected with BLM-related conditions. ClinVar contains an entry for this variant (Variation ID: 567994). Invitae Evidence Modeling of protein sequence and biophysical properties (such as structural, functional, and spatial information, amino acid conservation, physicochemical variation, residue mobility, and thermodynamic stability) indicates that this missense variant is not expected to disrupt BLM protein function with a negative predictive value of 80%. In summary, the available evidence is currently insufficient to determine the role of this variant in disease. Therefore, it has been classified as a Variant of Uncertain Significance.

Ambry Genetics
Classification: Uncertain significance for Hereditary cancer-predisposing syndrome. Last evaluated: 2025-05-31. Review status: criteria provided, single submitter. Criteria: Ambry Variant Classification Scheme 2023. Collection method: clinical testing. Allele origin: germline.
Comment: The p.M348I variant (also known as c.1044G>T), located in coding exon 4 of the BLM gene, results from a G to T substitution at nucleotide position 1044. The methionine at codon 348 is replaced by isoleucine, an amino acid with highly similar properties. This amino acid position is conserved. In addition, this alteration is predicted to be tolerated by in silico analysis. Since supporting evidence is limited at this time, the clinical significance of this alteration remains unclear.